The following is an entry in ClinVar:

NM_013275.6(ANKRD11):c.5534G>T (p.Cys1845Phe)

Gene: ANKRD11 (ankyrin repeat domain 11; minus strand). Cytogenetic location: 16q24.3.
Variant type: single nucleotide variant.
Coding change: c.5534G>T on transcript NM_013275.6 (MANE Select); coding-DNA position 5534, G replaced by T.
Protein change: p.Cys1845Phe; replaces cysteine 1845 with phenylalanine.
Molecular consequence: missense variant.
Genome position (GRCh38, 1-based): chr16:89,281,008, C>A on the plus strand (G>T on the coding strand, the complement: ANKRD11 is on the minus strand). VCF-style: chr16-89281008-C-A. GRCh37 (hg19) VCF-style: chr16-89347416-C-A.
Other names: c.5534G>T, p.Cys1845Phe (NM_001256182.2, NM_001256183.2); short protein forms C1845F.
Identifiers: ClinVar variation 1699225 (VCV001699225.3), dbSNP rs1305421290, ClinGen allele CA397153809.

ClinVar aggregate classification (germline): Likely benign (1 of 4 stars; one submission).

Conditions:
KBG syndrome (KBGS). Also called: ANKRD11-Related KBG Syndrome. Identifiers: Orphanet 2332, MedGen C0220687, MONDO:0007846, OMIM 148050.

gnomAD v4.1: 3 of 1,584,140 alleles (0.00019%); highest among the groups gnomAD compares: Non-Finnish European, 0.00026%; no homozygotes.

Submission:

Victorian Clinical Genetics Services, Murdoch Childrens Research Institute
Classification: Likely benign for KBG syndrome. Last evaluated: 2023-07-17. Review status: criteria provided, single submitter. Criteria: ACMG Guidelines, 2015. Collection method: clinical testing. Allele origin: germline. Inheritance: Autosomal dominant inheritance. Affected: yes.
Comment: Based on the classification scheme VCGS_Germline_v1.3.4, this variant is classified as Likely benign. Following criteria are met: 0102 - Loss of function is a known mechanism of disease in this gene and is associated with KBG syndrome (MIM#148050). (I) 0107 - This gene is associated with autosomal dominant disease. (I) 0115 - Variants in this gene are known to have variable expressivity. Intra-familial variability has been reported (PMID: 29258554). (I) 0200 - Variant is predicted to result in a missense amino acid change from cysteine to phenylalanine. (I) 0251 - This variant is heterozygous. (I) 0301 - Variant is absent from gnomAD (both v2 and v3). (SP) 0309 - An alternative amino acid change at the same position has been observed in gnomAD (v2) (1 heterozygote, 0 homozygotes). (I) 0501 - Missense variant consistently predicted to be damaging by multiple in silico tools or highly conserved with a major amino acid change. (SP) 0604 - Variant is not located in an established domain, motif, hotspot or informative constraint region. (I) 0705 - No comparable missense variants have previous evidence for pathogenicity. (I) 0807 - This variant has no previous evidence of pathogenicity. (I) 0904 - Non-segregation of this variant with the phenotype under investigation has been clearly demonstrated. (SB) 1007 - No published functional evidence has been identified for this variant. (I) Legend: (SP) - Supporting pathogenic, (I) - Information, (SB) - Supporting benign

Literature cited by the submitters: PubMed 29258554.